The following is an entry in ClinVar:

NM_000257.4(MYH7):c.3614A>G (p.Glu1205Gly)

Gene: MYH7 (myosin heavy chain 7; minus strand). Cytogenetic location: 14q11.2.
Variant type: single nucleotide variant.
Coding change: c.3614A>G on transcript NM_000257.4 (MANE Select); coding-DNA position 3614, A replaced by G.
Protein change: p.Glu1205Gly; replaces glutamic acid 1205 with glycine.
Molecular consequence: missense variant.
Genome position (GRCh38, 1-based): chr14:23,419,957, T>C on the plus strand (A>G on the coding strand, the complement: MYH7 is on the minus strand). VCF-style: chr14-23419957-T-C. GRCh37 (hg19) VCF-style: chr14-23889166-T-C.
Other names: c.3614A>G (LRG_384t1); short protein forms E1205G.
Identifiers: ClinVar variation 424570 (VCV000424570.7), dbSNP rs961038594, ClinGen allele CA16619847.

ClinVar aggregate classification (germline): Uncertain significance. Review status: criteria provided, multiple submitters, no conflicts (2 of 4 stars). 3 submissions from 3 submitters: Uncertain significance (3). Last evaluated 2024-01-10.

Conditions:
Hypertrophic cardiomyopathy. Also called: HYPERTROPHIC MYOCARDIOPATHY. Identifiers: Orphanet 217569, MedGen C0007194, MeSH D002312, MONDO:0005045, HP:0001639.
Cardiovascular phenotype. Identifiers: MedGen CN230736.

Allele frequency attached by ClinVar (database versions not stated): TOPMed below 0.00001.

Submissions (3):

Ambry Genetics
Classification: Uncertain significance for Cardiovascular phenotype. Last evaluated: 2024-01-10. Review status: criteria provided, single submitter. Criteria: Ambry Variant Classification Scheme 2023. Collection method: clinical testing. Allele origin: germline.
Comment: The p.E1205G variant (also known as c.3614A>G), located in coding exon 25 of the MYH7 gene, results from an A to G substitution at nucleotide position 3614. The glutamic acid at codon 1205 is replaced by glycine, an amino acid with similar properties. This amino acid position is highly conserved in available vertebrate species. In addition, this alteration is predicted to be deleterious by in silico analysis. Since supporting evidence is limited at this time, the clinical significance of this alteration remains unclear.

Labcorp Genetics (formerly Invitae), Labcorp
Classification: Uncertain significance for Hypertrophic cardiomyopathy. Last evaluated: 2023-07-03. Review status: criteria provided, single submitter. Criteria: Invitae Variant Classification Sherloc (09022015). Collection method: clinical testing. Allele origin: germline.
Comment: This variant has not been reported in the literature in individuals affected with MYH7-related conditions. This variant is not present in population databases (gnomAD no frequency). This sequence change replaces glutamic acid, which is acidic and polar, with glycine, which is neutral and non-polar, at codon 1205 of the MYH7 protein (p.Glu1205Gly). ClinVar contains an entry for this variant (Variation ID: 424570). In summary, the available evidence is currently insufficient to determine the role of this variant in disease. Therefore, it has been classified as a Variant of Uncertain Significance. This variant disrupts the p.Glu1205 amino acid residue in MYH7. Other variant(s) that disrupt this residue have been determined to be pathogenic (PMID: 26914223; Invitae). This suggests that this residue is clinically significant, and that variants that disrupt this residue are likely to be disease-causing. Advanced modeling of protein sequence and biophysical properties (such as structural, functional, and spatial information, amino acid conservation, physicochemical variation, residue mobility, and thermodynamic stability) performed at Invitae indicates that this missense variant is expected to disrupt MYH7 protein function.

GeneDx
Classification: Uncertain significance. Last evaluated: 2020-01-02. Review status: criteria provided, single submitter. Criteria: GeneDx Variant Classification Process June 2021. Collection method: clinical testing. Allele origin: germline. Affected: yes.
Comment: Has not been previously published as pathogenic or benign to our knowledge; Not observed in large population cohorts (Lek et al., 2016); In silico analysis, which includes protein predictors and evolutionary conservation, supports a deleterious effect

Literature cited by the submitters: PubMed 26914223 (cited by Labcorp Genetics (formerly Invitae), Labcorp).